The following is an entry in ClinVar:

ClinVar aggregate classification (germline): Likely pathogenic. Review status: reviewed by expert panel (3 of 4 stars). 8 submissions from 8 submitters: Likely pathogenic (1). 7 of the submissions do not count toward it. Last evaluated 2026-08-20.

Conditions:
RPE65-related recessive retinopathy. Also called: Recessive RPE65 retinopathy. Identifiers: MedGen CN305526, MONDO:0100368.
Leber congenital amaurosis (LCA). Also called: Leber's amaurosis. Identifiers: Orphanet 65, MedGen C0339527, MeSH D057130, MONDO:0018998.
Retinitis pigmentosa 20 (RP20). Identifiers: Orphanet 791, MedGen C3151086, MONDO:0013425, OMIM 613794.
Leber congenital amaurosis 2 (LCA2). Also called: Autosomal Recessive RPE65-Related Retinal Degeneration; AMAUROSIS CONGENITA OF LEBER II. Identifiers: Orphanet 65, MedGen C1859844, MONDO:0008765, OMIM 204100. Disease mechanism: loss of function.

Allele frequency attached by ClinVar (database versions not stated): gnomAD exomes below 0.00001.

Submissions (8):

ClinGen Leber Congenital Amaurosis/early Onset Retinal Dystrophy Variant Curation Expert Panel, ClinGen
Classification: Likely pathogenic for RPE65-related recessive retinopathy. Last evaluated: 2026-08-20. Review status: reviewed by expert panel. Criteria: ClinGen LCAeoRD ACMG Specifications RPE65 V1.0.0. Collection method: curation. Allele origin: germline. Inheritance: Autosomal recessive inheritance.
Comment: NM_000329.3(RPE65):c.1418T>A is a missense variant that substitutes valine with arginine at position p.473. This variant has been reported in at least 2 unrelated probands with early-onset severe retinal dystrophy who were homozygous for the variant (1 point, PMID: 9501220, SCV001430890.1). This variant has also been reported in at least 1 proband with early-onset severe retinal dystrophy who was compound heterozygous with the p.Pro363Thr variant confirmed in trans (1 point, VCEP member-provided data), which was previously classified pathogenic by the ClinGen LCA / eoRD VCEP (2 total points, PM3_Strong). At least one patient harboring the variant exhibits a phenotype including nondetectable ERG responses from rods (0.5 pts) and cones ( 1 pt), nyctalopia (0.5 pts), decreased central visual acuity (1 pt), symptomatic onset between birth and age 5 years (1 pt), light staring (1 pt), and positive response to RPE65 gene therapy (8 pts), which together are highly specific for RPE65-related recessive retinopathy (13 total points, VCEP member-provided data, PP4_Moderate). This variant is present in gnomAD v.4.1.1 at a GrpMax allele frequency of 0.00002196, with 2 alleles / 91080 total alleles in the South Asian population, which is lower than the ClinGen LCA / eoRD VCEP PM2_Supporting threshold of <0.0002 (PM2_Supporting). The computational predictor REVEL gives a score of 0.992, which is above the ClinGen LCA/eoRD VCEP PP3_Mod threshold of >0.773 and predicts a damaging effect on RPE65 function (PP3_Moderate). In summary, this variant meets the criteria to be classified as a Likely Pathogenic for RPE65-related recessive retinopathy based on the ACMG/AMP criteria applied, as specified by the ClinGen LCA/eoRD VCEP: PM3_Strong, PP4_Moderate, PM2_Supporting, and PP3_Moderate. (LCA/eoRD VCEP specifications version 1.0.0).

Myriad Genetics, Inc.
Classification: Likely pathogenic for RPE65-related recessive retinopathy. Last evaluated: 2025-11-26. Review status: criteria provided, single submitter. Criteria: Myriad Autosomal Dominant, Autosomal Recessive and X-Linked Classification Criteria (2023). Collection method: clinical testing. Allele origin: unknown. Not counted in ClinVar's aggregate classification.
Comment: NM_000329.2(RPE65):c.1418T>A(V473D) is a missense variant classified as likely pathogenic in the context of inherited retinal dystrophy, RPE65-related. V473D has been observed in cases with relevant disease (PMID: 10090910, 38219857, 27375040, 37644014, 20079931). Relevant functional assessments of this variant are not available in the literature. V473D has not been observed in referenced population frequency databases. In summary, NM_000329.2(RPE65):c.1418T>A(V473D) is a missense variant that has been observed more frequently in cases with the relevant disease than in healthy populations. Please note: this variant was assessed in the context of healthy population screening.

Natera, Inc.
Classification: Likely pathogenic for Leber congenital amaurosis. Last evaluated: 2024-05-14. Review status: criteria provided, single submitter. Criteria: Natera Variant Classification Schema (03/2026). Collection method: clinical testing. Allele origin: germline. Not counted in ClinVar's aggregate classification.
Comment: The c.1418T>A variant in RPE65 is a missense variant predicted to cause substitution of valine to aspartic acid at amino acid 473. This variant is rare in the general population with a frequency below the threshold expected for the associated phenotype(s). This variant has been observed in one or more individuals affected with the associated recessive disease, as either homozygous or compound heterozygous with a second variant (PMID: 9501220, 19854499, 15024725). Computational prediction algorithms indicate this variant is likely to affect gene or protein function. Given the available evidence, this variant is classified as Likely Pathogenic.

Baylor Genetics
Classification: Likely pathogenic for Leber congenital amaurosis 2. Last evaluated: 2023-11-27. Review status: criteria provided, single submitter. Criteria: ACMG Guidelines, 2015. Collection method: clinical testing. Allele origin: unknown. Not counted in ClinVar's aggregate classification.

Foundation for Research in Genetics and Endocrinology, FRIGE's Institute of Human Genetics
Classification: Likely pathogenic for Retinitis pigmentosa 20. Last evaluated: 2020-08-20. Review status: criteria provided, single submitter. Criteria: ACMG Guidelines, 2015. Collection method: clinical testing. Allele origin: germline. Inheritance: Autosomal recessive inheritance. Affected: yes. Observed: 1 homozygote. Not counted in ClinVar's aggregate classification.
Comment: A homozygous missense variation in exon 13 of the RPE65 gene that results in the amino acid substitution of Aspartic acid for Valine at codon 473 was detected. The observed variant c.1418T>A (p.Val473Asp) lies in the retinal pigment epithelial membrane protein domain of the RPE65 protein (Morimura et al. 1998) and has previously been reported in homozygous state in a patient affected with leber congenital amaurosis. The variant has not been reported in the 1000 genomes and gnomAD databases. The in silico prediction of the variant are probably damaging by PolyPhen-2 (HumDiv) and damaging by SIFT, LRT and MutationTaster2. The reference codon is conserved across species. In summary, the variant meets our criteria to be classified as likely pathogenic.

Neuberg Centre For Genomic Medicine, NCGM
Classification: Likely pathogenic for Leber congenital amaurosis 2. Review status: criteria provided, single submitter. Criteria: ACMG Guidelines, 2015. Collection method: clinical testing. Allele origin: germline. Inheritance: Autosomal recessive inheritance. Affected: yes. Not counted in ClinVar's aggregate classification.
Comment: The observed variant c.1418T>A (p.Val473Asp) has previously been reported in homozygous state in a patient affected with leber congenital amaurosis and it lies in the retinal pigment epithelial membrane protein domain of the RPE65 protein (Morimura et al. 1998). The p.Val473Asp variant is novel (not in any individuals) in gnomAD Exomes and 1000 Genomes. This variant has been reported to the ClinVar database as Likely pathogenic. The amino acid Val at position 473 is changed to a Asp changing protein sequence and it might alter its composition and physico-chemical properties. The variant is predicted to be damaging by both SIFT and PolyPhen2. The residue is conserved across species. The amino acid change p.Val473Asp in RPE65 is predicted as conserved by GERP++ and PhyloP across 100 vertebrates. For these reasons, this variant has been classified as Likely Pathogenic.

Laboratory of Genetics in Ophthalmology, Institut Imagine
Classification: Likely pathogenic for Leber congenital amaurosis 2. Review status: no assertion criteria provided. Collection method: research. Allele origin: inherited. Affected: yes. Observed: 1 variant allele. Not counted in ClinVar's aggregate classification.

Retina International
No classification provided. Review status: no classification provided. Collection method: not provided. Allele origin: not provided. Not counted in ClinVar's aggregate classification.

Literature cited by the submitters: PubMed 10090910 (cited by Myriad Genetics, Inc.); PubMed 20079931 (cited by Myriad Genetics, Inc.); PubMed 27375040 (cited by Myriad Genetics, Inc.); PubMed 37644014 (cited by Myriad Genetics, Inc.); PubMed 38219857 (cited by Myriad Genetics, Inc.); PubMed 9501220 (cited by Natera, Inc. and Laboratory of Genetics in Ophthalmology, Institut Imagine); PubMed 19854499 (cited by Natera, Inc.); PubMed 15024725 (cited by Natera, Inc.).

NM_000329.3(RPE65):c.1418T>A (p.Val473Asp)

Gene: RPE65 (retinoid isomerohydrolase RPE65; minus strand). Cytogenetic location: 1p31.3.
Variant type: single nucleotide variant.
Coding change: c.1418T>A on transcript NM_000329.3 (MANE Select); coding-DNA position 1418, T replaced by A.
Protein change: p.Val473Asp; replaces valine 473 with aspartic acid.
Molecular consequence: missense variant.
Genome position (GRCh38, 1-based): chr1:68,431,097, A>T on the plus strand (T>A on the coding strand, the complement: RPE65 is on the minus strand). VCF-style: chr1-68431097-A-T. GRCh37 (hg19) VCF-style: chr1-68896780-A-T.
Other names: NM_000329.3(RPE65):c.1418T>A; short protein forms V473D.
Identifiers: ClinVar variation 98846 (VCV000098846.13), dbSNP rs62637007, ClinGen allele CA226515.
Genomic context (GRCh38, chr1:68,431,097, plus strand): 5'-ATTCAGACACAACAATTGCTTTCATTACCATCATCTTCTTCCAAGGCATCTGGGTGAGAA[A>T]CAAAGATGGGTTCTGATGGGTATGAATCAGGCTCTTGCCAAACCCAAGTTTCTTTAGTTT-3'
Protein context (NP_000320.1, residues 463-483): PDSYPSEPIF[Val473Asp]SHPDALEEDD